The following is an entry in ClinVar:

NM_000273.3(GPR143):c.41G>A (p.Arg14Gln)

Gene: GPR143 (G protein-coupled receptor 143; minus strand). Cytogenetic location: Xp22.2.
Variant type: single nucleotide variant.
Coding change: c.41G>A on transcript NM_000273.3 (MANE Select); coding-DNA position 41, G replaced by A.
Protein change: p.Arg14Gln; replaces arginine 14 with glutamine.
Molecular consequence: missense variant.
Genome position (GRCh38, 1-based): chrX:9,765,777, C>T on the plus strand (G>A on the coding strand, the complement: GPR143 is on the minus strand). VCF-style: chrX-9765777-C-T. GRCh37 (hg19) VCF-style: chrX-9733817-C-T.
Other names: short protein forms R14Q.
Identifiers: ClinVar variation 1979145 (VCV001979145.3), dbSNP rs1237320375, ClinGen allele CA412000959.

ClinVar aggregate classification (germline): Uncertain significance (1 of 4 stars; one submission).

Allele frequency attached by ClinVar (database versions not stated): TOPMed 0.00001; gnomAD 0.00002.

Submission:

Labcorp Genetics (formerly Invitae), Labcorp
Classification: Uncertain significance. Last evaluated: 2022-09-06. Review status: criteria provided, single submitter. Criteria: Invitae Variant Classification Sherloc (09022015). Collection method: clinical testing. Allele origin: germline.
Comment: In summary, the available evidence is currently insufficient to determine the role of this variant in disease. Therefore, it has been classified as a Variant of Uncertain Significance. Algorithms developed to predict the effect of sequence changes on RNA splicing suggest that this variant may create or strengthen a splice site. Algorithms developed to predict the effect of missense changes on protein structure and function are either unavailable or do not agree on the potential impact of this missense change (SIFT: "Deleterious"; PolyPhen-2: "Possibly Damaging"; Align-GVGD: "Class C0"). This variant has not been reported in the literature in individuals affected with GPR143-related conditions. This variant is not present in population databases (gnomAD no frequency). This sequence change replaces arginine, which is basic and polar, with glutamine, which is neutral and polar, at codon 14 of the GPR143 protein (p.Arg14Gln).